The following is an entry in ClinVar:

NM_001134407.3(GRIN2A):c.414+2T>G

Gene: GRIN2A (glutamate ionotropic receptor NMDA type subunit 2A; minus strand). Cytogenetic location: 16p13.2.
Variant type: single nucleotide variant.
Coding change: c.414+2T>G on transcript NM_001134407.3 (MANE Select); the canonical splice donor site of the intron after coding-DNA position 414, T replaced by G.
Molecular consequence: splice donor variant.
Genome position (GRCh38, 1-based): chr16:10,179,996, A>C on the plus strand (T>G on the coding strand, the complement: GRIN2A is on the minus strand). VCF-style: chr16-10179996-A-C. GRCh37 (hg19) VCF-style: chr16-10273853-A-C.
Other names: c.414+2T>G (NM_001134408.2, NM_000833.5).
Identifiers: ClinVar variation 3649682 (VCV003649682.2).

ClinVar aggregate classification (germline): Likely pathogenic (1 of 4 stars; one submission).

Conditions:
Landau-Kleffner syndrome (FESD). Also called: EPILEPSY, FOCAL, WITH SPEECH DISORDER AND WITH OR WITHOUT MENTAL RETARDATION; APHASIA, ACQUIRED, WITH EPILEPSY. Identifiers: Orphanet 1945, Orphanet 725, Orphanet 98818, MedGen C0282512, MONDO:0009509, OMIM 245570.

Submission:

Labcorp Genetics (formerly Invitae), Labcorp
Classification: Likely pathogenic for Landau-Kleffner syndrome. Last evaluated: 2024-04-12. Review status: criteria provided, single submitter. Criteria: Invitae Variant Classification Sherloc (09022015). Collection method: clinical testing. Allele origin: germline.
Comment: This sequence change affects a donor splice site in intron 3 of the GRIN2A gene. It is expected to disrupt RNA splicing. Variants that disrupt the donor or acceptor splice site typically lead to a loss of protein function (PMID: 16199547), and loss-of-function variants in GRIN2A are known to be pathogenic (PMID: 23933819, 23933820). This variant is not present in population databases (gnomAD no frequency). This variant has not been reported in the literature in individuals affected with GRIN2A-related conditions. Algorithms developed to predict the effect of sequence changes on RNA splicing suggest that this variant may disrupt the consensus splice site. In summary, the currently available evidence indicates that the variant is pathogenic, but additional data are needed to prove that conclusively. Therefore, this variant has been classified as Likely Pathogenic.

Literature cited by the submitters: PubMed 16199547; PubMed 23933819; PubMed 23933820.